The following is an entry in ClinVar:

ClinVar aggregate classification (germline): Pathogenic (1 of 4 stars; one submission).

Submission:

Labcorp Genetics (formerly Invitae), Labcorp
Classification: Pathogenic. Last evaluated: 2022-12-07. Review status: criteria provided, single submitter. Criteria: Invitae Variant Classification Sherloc (09022015). Collection method: clinical testing. Allele origin: germline.
Comment: For these reasons, this variant has been classified as Pathogenic. This premature translational stop signal has been observed in individual(s) with clinical features of ABCA4-related conditions (PMID: 20029649, 22264887). This variant is not present in population databases (gnomAD no frequency). This sequence change creates a premature translational stop signal (p.Ala1922Trpfs*18) in the ABCA4 gene. It is expected to result in an absent or disrupted protein product. Loss-of-function variants in ABCA4 are known to be pathogenic (PMID: 10958761, 24938718, 25312043, 26780318).

Literature cited by the submitters: PubMed 20029649; PubMed 22264887; PubMed 10958761; PubMed 24938718; PubMed 25312043; PubMed 26780318.

NM_000350.3(ABCA4):c.5762_5763dup (p.Ala1922fs)

Gene: ABCA4 (ATP binding cassette subfamily A member 4; minus strand). Cytogenetic location: 1p22.1.
Variant type: Microsatellite.
Coding change: c.5762_5763dup on transcript NM_000350.3 (MANE Select); coding-DNA positions 5762 to 5763, 2 bases duplicated (TG; older notation c.5762_5763dupTG).
Protein change: p.Ala1922fs; shifts the reading frame from alanine 1922.
Molecular consequence: frameshift variant.
Genome position (GRCh38, 1-based): chr1:94,008,823-94,008,824, CA duplicated on the plus strand (TG on the coding strand, the reverse complement: ABCA4 is on the minus strand); duplicating any 2 consecutive bases within chr1:94,008,823-94,008,826 gives the same sequence; the c. name uses the placement nearest the transcript's 3' end. VCF-style (leftmost placement, unchanged base first): chr1-94008822-C-CCA. GRCh37 (hg19) VCF-style: chr1-94474378-C-CCA.
Other names: c.5538_5539TG[3], p.Ala1848Trpfs (NM_001425324.1); short protein forms A1922fs.
Identifiers: ClinVar variation 2202781 (VCV002202781.4), dbSNP rs1659469884, ClinGen allele CA645372216.